The following is an entry in ClinVar:

ClinVar aggregate classification (germline): Uncertain significance. Review status: criteria provided, multiple submitters, no conflicts (2 of 4 stars). 5 submissions from 5 submitters: Uncertain significance (4). 1 of the submissions does not count toward it. Last evaluated 2023-02-08.

Conditions:
Autosomal recessive limb-girdle muscular dystrophy type 2D (LGMDR3). Also called: DUCHENNE-LIKE AUTOSOMAL RECESSIVE MUSCULAR DYSTROPHY, TYPE 2; MUSCULAR DYSTROPHY, LIMB-GIRDLE, AUTOSOMAL RECESSIVE 3; ADHALINOPATHY, PRIMARY. Identifiers: Orphanet 62, MedGen C2936332, MONDO:0011968, OMIM 608099. Disease mechanism: Affects gamma-sarcoglycan and also disrupts the integrity of the entire sarcoglycan complex..

Allele frequency attached by ClinVar (database versions not stated): gnomAD exomes below 0.00001; gnomAD 0.00001; TOPMed 0.00001.
gnomAD v4.1: 4 of 1,612,866 alleles (0.00025%); highest among the groups gnomAD compares: African/African-American, 0.0027%; no homozygotes.

Submissions (5):

Genome-Nilou Lab
Classification: Uncertain significance for Autosomal recessive limb-girdle muscular dystrophy type 2D. Last evaluated: 2023-02-08. Review status: criteria provided, single submitter. Criteria: ACMG Guidelines, 2015. Collection method: clinical testing. Allele origin: germline.

Labcorp Genetics (formerly Invitae), Labcorp
Classification: Uncertain significance for Autosomal recessive limb-girdle muscular dystrophy type 2D. Last evaluated: 2021-08-26. Review status: criteria provided, single submitter. Criteria: Invitae Variant Classification Sherloc (09022015). Collection method: clinical testing. Allele origin: germline.
Comment: This sequence change replaces asparagine with serine at codon 246 of the SGCA protein (p.Asn246Ser). The asparagine residue is moderately conserved and there is a small physicochemical difference between asparagine and serine. This variant is not present in population databases (ExAC no frequency). This variant has not been reported in the literature in individuals affected with SGCA-related conditions. ClinVar contains an entry for this variant (Variation ID: 284388). Algorithms developed to predict the effect of missense changes on protein structure and function are either unavailable or do not agree on the potential impact of this missense change (SIFT: "Tolerated"; PolyPhen-2: "Possibly Damaging"; Align-GVGD: "Class C0"). Algorithms developed to predict the effect of sequence changes on RNA splicing suggest that this variant may create or strengthen a splice site. In summary, the available evidence is currently insufficient to determine the role of this variant in disease. Therefore, it has been classified as a Variant of Uncertain Significance.

Revvity Omics, Revvity
Classification: Uncertain significance for Autosomal recessive limb-girdle muscular dystrophy type 2D. Last evaluated: 2019-02-27. Review status: criteria provided, single submitter. Criteria: ACMG Guidelines, 2015. Collection method: clinical testing. Allele origin: germline.

Eurofins Ntd Llc (ga)
Classification: Uncertain significance. Last evaluated: 2015-10-23. Review status: criteria provided, single submitter. Criteria: EGL Classification Definitions 2015. Collection method: clinical testing. Allele origin: germline. Observed: 1 variant allele, 1 heterozygote.

Natera, Inc.
Classification: Uncertain significance for Limb-girdle muscular dystrophy type 2D. Last evaluated: 2020-07-17. Review status: no assertion criteria provided. Collection method: clinical testing. Allele origin: germline. Not counted in ClinVar's aggregate classification.

NM_000023.4(SGCA):c.737A>G (p.Asn246Ser)

Gene: SGCA (sarcoglycan alpha; plus strand). Cytogenetic location: 17q21.33.
Variant type: single nucleotide variant.
Coding change: c.737A>G on transcript NM_000023.4 (MANE Select); coding-DNA position 737, A replaced by G.
Protein change: p.Asn246Ser; replaces asparagine 246 with serine.
Molecular consequence: missense variant. On other transcripts: non-coding transcript variant (1), intron variant (1).
Genome position (GRCh38, 1-based): chr17:50,169,244, A>G. VCF-style: chr17-50169244-A-G. GRCh37 (hg19) VCF-style: chr17-48246605-A-G.
Other names: c.737A>G (NM_000023.2); c.584+672A>G (NM_001135697.3); short protein forms N246S.
Identifiers: ClinVar variation 284388 (VCV000284388.13), dbSNP rs886042858, ClinGen allele CA10604781.